The following is an entry in ClinVar:

ClinVar aggregate classification (germline): Pathogenic. Review status: no assertion criteria provided (0 of 4 stars). 2 submissions from 2 submitters: Pathogenic (1). 1 of the submissions does not count toward it. Last evaluated 2010-05-11.

Conditions:
Central core myopathy (CMYO1A). Also called: Central core disease; Myopathy, central fibrillar; CONGENITAL MYOPATHY 1A, AUTOSOMAL DOMINANT, WITH SUSCEPTIBILITY TO MALIGNANT HYPERTHERMIA. Identifiers: Orphanet 597, MedGen C5830701, MONDO:0007294, OMIM 117000.

Submissions (2):

GeneReviews
Classification: Pathogenic for Central Core Disease. Last evaluated: 2010-05-11. Review status: no assertion criteria provided. Collection method: curation. Allele origin: unknown.
ClinVar note: Converted during submission from pathologic to Pathogenic.

RYR1 database
No classification provided. Review status: no classification provided. Collection method: not provided. Allele origin: unknown. Not counted in ClinVar's aggregate classification.

NM_000540.3(RYR1):c.14572A>G (p.Asn4858Asp)

Gene: RYR1 (ryanodine receptor 1; plus strand). Cytogenetic location: 19q13.2.
Variant type: single nucleotide variant.
Coding change: c.14572A>G on transcript NM_000540.3 (MANE Select); coding-DNA position 14572, A replaced by G.
Protein change: p.Asn4858Asp; replaces asparagine 4858 with aspartic acid.
Molecular consequence: missense variant.
Genome position (GRCh38, 1-based): chr19:38,580,430, A>G. VCF-style: chr19-38580430-A-G. GRCh37 (hg19) VCF-style: chr19-39071070-A-G.
Other names: c.14557A>G, p.Asn4853Asp (NM_001042723.2); short protein forms N4858D, N4853D.
Identifiers: ClinVar variation 65969 (VCV000065969.3), dbSNP rs118192144, ClinGen allele CA024174.
Genomic context (GRCh38, chr19:38,580,430, plus strand): 5'-CTGGTGATGACCGTGGGCCTTCTGGCGGTGGTCGTCTACCTGTACACCGTGGTGGCCTTC[A>G]ACTTCTTCCGCAAGTTCTACAACAAGAGCGAGGATGAGGATGAACCTGACATGAAGTGTG-3'
Protein context (NP_000531.2, residues 4848-4868): VVYLYTVVAF[Asn4858Asp]FFRKFYNKSE